The following is an entry in ClinVar:

NM_001267550.2(TTN):c.98681dup (p.Leu32894fs)

Genes: TTN (titin; minus strand), TTN-AS1 (TTN antisense RNA 1; plus strand). Cytogenetic location: 2q31.2.
Variant type: Duplication.
Coding change: c.98681dup on transcript NM_001267550.2 (MANE Select); coding-DNA position 98681, one base duplicated (T; older notation c.98681dupT).
Protein change: p.Leu32894fs; shifts the reading frame from leucine 32894.
Molecular consequence: frameshift variant. On other transcripts: non-coding transcript variant (1).
Genome position (GRCh38, 1-based): chr2:178,539,384, A duplicated on the plus strand (T on the coding strand, the reverse complement: TTN is on the minus strand); the first of 2 consecutive A bases (chr2:178,539,384-178,539,385); duplicating either gives the same sequence. VCF-style (leftmost placement, unchanged base first): chr2-178539383-C-CA. GRCh37 (hg19) VCF-style: chr2-179404110-C-CA.
Other names: c.93758dup, p.Leu31253fs (NM_001256850.1); c.71486dup, p.Leu23829fs (NM_003319.4); c.90977dup, p.Leu30326fs (NM_133378.4); c.71861dup, p.Leu23954fs (NM_133432.3); c.72062dup, p.Leu24021fs (NM_133437.4); short protein forms L23829fs, L24021fs, L23954fs, L31253fs, L30326fs, L32894fs.
Identifiers: ClinVar variation 3544420 (VCV003544420.2).

ClinVar aggregate classification (germline): Likely pathogenic (1 of 4 stars; one submission).

Conditions:
TTN-related cardiomyopathy.

Submission:

Molecular Genetics Laboratory, Motol Hospital
Classification: Likely pathogenic for TTN-related cardiomyopathy. Last evaluated: 2025-01-08. Review status: criteria provided, single submitter. Criteria: ACMG Guidelines, 2015. Collection method: clinical testing. Allele origin: germline. Affected: yes. Observed: 1 variant allele.
Comment: truncating (null) variant in a gene where loss of function is a known mechanism of a disease - TTN-related cardiomyopathy (PVS1), rare variant not present in general gnomAD population (v4.1.0) (PM2); ACMG PVS1, PM2